The following is an entry in ClinVar:

ClinVar aggregate classification (germline): Uncertain significance. Review status: criteria provided, multiple submitters, no conflicts (2 of 4 stars). 2 submissions from 2 submitters: Uncertain significance (2). Last evaluated 2024-12-28.

Conditions:
Inborn genetic diseases. Identifiers: MedGen C0950123, MeSH D030342.

Allele frequency attached by ClinVar (database versions not stated): gnomAD exomes below 0.00001 and 0.00004; TOPMed 0.00001; ExAC 0.00002; gnomAD 0.00002; ESP Exome Variant Server 0.00008.
gnomAD v4.1: 62 of 1,613,966 alleles (0.0038%); highest among the groups gnomAD compares: Non-Finnish European, 0.005%; no homozygotes.

Submissions (2):

Ambry Genetics
Classification: Uncertain significance for Inborn genetic diseases. Last evaluated: 2024-12-28. Review status: criteria provided, single submitter. Criteria: Ambry Variant Classification Scheme 2023. Collection method: clinical testing. Allele origin: germline.

Labcorp Genetics (formerly Invitae), Labcorp
Classification: Uncertain significance. Last evaluated: 2022-08-06. Review status: criteria provided, single submitter. Criteria: Invitae Variant Classification Sherloc (09022015). Collection method: clinical testing. Allele origin: germline.
Comment: Algorithms developed to predict the effect of missense changes on protein structure and function output the following: SIFT: "Tolerated"; PolyPhen-2: "Benign"; Align-GVGD: "Class C0". The lysine amino acid residue is found in multiple mammalian species, which suggests that this missense change does not adversely affect protein function. In summary, the available evidence is currently insufficient to determine the role of this variant in disease. Therefore, it has been classified as a Variant of Uncertain Significance. ClinVar contains an entry for this variant (Variation ID: 971433). This variant has not been reported in the literature in individuals affected with CNNM4-related conditions. This variant is present in population databases (rs373487333, gnomAD 0.002%). This sequence change replaces arginine, which is basic and polar, with lysine, which is basic and polar, at codon 178 of the CNNM4 protein (p.Arg178Lys).

NM_020184.4(CNNM4):c.533G>A (p.Arg178Lys)

Gene: CNNM4 (cyclin and CBS domain divalent metal cation transport mediator 4; plus strand). Cytogenetic location: 2q11.2.
Variant type: single nucleotide variant.
Coding change: c.533G>A on transcript NM_020184.4 (MANE Select); coding-DNA position 533, G replaced by A.
Protein change: p.Arg178Lys; replaces arginine 178 with lysine.
Molecular consequence: missense variant.
Genome position (GRCh38, 1-based): chr2:96,761,532, G>A. VCF-style: chr2-96761532-G-A. GRCh37 (hg19) VCF-style: chr2-97427269-G-A.
Other names: short protein forms R178K.
Identifiers: ClinVar variation 971433 (VCV000971433.8), dbSNP rs373487333, ClinGen allele CA1783222.